The following is an entry in ClinVar:

ClinVar aggregate classification (germline): Conflicting classifications of pathogenicity. Review status: criteria provided, conflicting classifications (1 of 4 stars). 2 submissions from 2 submitters: Uncertain significance (1); Likely benign (1). Last evaluated 2024-10-01.

Allele frequency attached by ClinVar (database versions not stated): 1000 Genomes Project 30x 0.00078; ESP Exome Variant Server 0.00095; 1000 Genomes Project 0.00100; gnomAD 0.00141; ExAC 0.00211.

Submissions (2):

CeGaT Center for Human Genetics Tuebingen
Classification: Likely benign. Last evaluated: 2024-10-01. Review status: criteria provided, single submitter. Criteria: CeGaT Center For Human Genetics Tuebingen Variant Classification Criteria Version 2. Collection method: clinical testing. Allele origin: germline. Affected: yes. Observed: 1 variant allele.
Comment: MUC5B: BP4, BS1

Ambry Genetics
Classification: Uncertain significance. Last evaluated: 2024-03-01. Review status: criteria provided, single submitter. Criteria: Ambry Variant Classification Scheme 2023. Collection method: clinical testing. Allele origin: germline.

NM_002458.3(MUC5B):c.10427C>T (p.Ser3476Leu)

Genes: MUC5B (mucin 5B, oligomeric mucus/gel-forming; plus strand), MUC5B-AS1 (MUC5B antisense RNA 1; minus strand). Cytogenetic location: 11p15.5.
Variant type: single nucleotide variant.
Coding change: c.10427C>T on transcript NM_002458.3 (MANE Select); coding-DNA position 10427, C replaced by T.
Protein change: p.Ser3476Leu; replaces serine 3476 with leucine.
Molecular consequence: missense variant.
Genome position (GRCh38, 1-based): chr11:1,247,307, C>T. VCF-style: chr11-1247307-C-T. GRCh37 (hg19) VCF-style: chr11-1268537-C-T.
Other names: short protein forms S3476L.
Identifiers: ClinVar variation 3220626 (VCV003220626.15), dbSNP rs200237369, ClinGen allele CA5807340.